The following is an entry in ClinVar:

ClinVar aggregate classification (germline): Likely benign (0 of 4 stars; one submission).

Conditions:
PKHD1L1-related disorder. Also called: PKHD1L1-related condition.

gnomAD v4.1: 73 of 1,581,672 alleles (0.0046%); highest among the groups gnomAD compares: Middle Eastern, 0.13%; 1 homozygote.

Submission:

PreventionGenetics, part of Exact Sciences
Classification: Likely benign for PKHD1L1-related condition. Last evaluated: 2024-05-02. Review status: no assertion criteria provided. Collection method: clinical testing. Allele origin: germline.
Comment: This variant is classified as likely benign based on ACMG/AMP sequence variant interpretation guidelines (Richards et al. 2015 PMID: 25741868, with internal and published modifications).

NM_177531.6(PKHD1L1):c.1737A>G (p.Lys579=)

Gene: PKHD1L1 (PKHD1 like 1; plus strand). Cytogenetic location: 8q23.1.
Variant type: single nucleotide variant.
Coding change: c.1737A>G on transcript NM_177531.6 (MANE Select); coding-DNA position 1737, A replaced by G.
Protein change: p.Lys579=; no amino-acid change (lysine 579 retained).
Molecular consequence: synonymous variant.
Genome position (GRCh38, 1-based): chr8:109,406,402, A>G. VCF-style: chr8-109406402-A-G. GRCh37 (hg19) VCF-style: chr8-110418631-A-G.
Identifiers: ClinVar variation 3351834 (VCV003351834.1).